The following is an entry in ClinVar:

ClinVar aggregate classification (germline): not provided. Review status: no classification provided (0 of 4 stars). 2 submissions from 1 submitter: not provided (2).

Conditions:
Small for gestational age. Also called: Low birth weight. Identifiers: MedGen C0235991, HP:0001518.
Normal pregnancy. Identifiers: MedGen C0232989.

Submissions (2):

Institute of Molecular and Cell Biology, University of Tartu
No classification provided. Condition: Normal pregnancy. Review status: no classification provided. Collection method: case-control. Allele origin: unknown. Affected: yes. Study: Kasak2014.
Comment: The study aimed to determine the contribution of copy number variants in the genetic etiology of normal and complicated pregnancies. The samples represented (i) maternal blood DNA drawn from healthy pregnant women during 1st or 2nd trimester and (ii) maternal and paternal blood DNA drawn at term pregnancy cases representing normal and complicated gestations (severe preeclampsia, PE; gestational diabetes, GD; small-for-gestational age newborn, SGA; large-for-gestational age newborn, LGA). We performed CNV calling based on genome-wide genotyping dataset (Illumina HumanOmniExpress-24-v1 BeadChip) by applying three algorithms, QuantiSNP, GADA (Genome Alteration Detection Algorithm) and CNstream in parallel. The acquired CNV calls were merged with HD-CNV (Hotspot Detector for Copy Number Variants) program and only the CNVs predicted by at least two programs, were considered in subsequent analysis.

Institute of Molecular and Cell Biology, University of Tartu
No classification provided. Condition: Small for gestational age. Review status: no classification provided. Collection method: case-control. Allele origin: unknown. Affected: yes. Study: Kasak2014.
Comment: the same text as in the submission from Institute of Molecular and Cell Biology, University of Tartu above.

Literature cited by the submitters: PubMed 25666259.

Single allele

Variant type: Deletion.
Identifiers: ClinVar variation 156955 (VCV000156955.2).